The following is an entry in ClinVar:

ClinVar aggregate classification (germline): Conflicting classifications of pathogenicity. Review status: criteria provided, conflicting classifications (1 of 4 stars). 2 submissions from 2 submitters: Uncertain significance (1); Likely benign (1). Last evaluated 2026-01-26.

Conditions:
Familial focal epilepsy with variable foci (FPEVF). Identifiers: Orphanet 98820, MedGen C1858477, MONDO:0020310.

Allele frequency attached by ClinVar (database versions not stated): gnomAD exomes below 0.00001.
gnomAD v4.1: 3 of 1,605,434 alleles (0.00019%); highest among the groups gnomAD compares: South Asian, 0.0011%; no homozygotes.

Submissions (2):

GeneDx
Classification: Uncertain significance. Last evaluated: 2026-01-26. Review status: criteria provided, single submitter. Criteria: GeneDx Variant Classification Process June 2021. Collection method: clinical testing. Allele origin: germline.
Comment: Not observed at significant frequency in large population cohorts (gnomAD); Has not been previously published as pathogenic or benign to our knowledge; In silico analysis suggests this variant may impact gene splicing. In the absence of RNA/functional studies, the actual effect of this sequence change is unknown.

Labcorp Genetics (formerly Invitae), Labcorp
Classification: Likely benign for Familial focal epilepsy with variable foci. Last evaluated: 2025-09-24. Review status: criteria provided, single submitter. Criteria: Invitae Variant Classification Sherloc (09022015). Collection method: clinical testing. Allele origin: germline.

NM_001242896.3(DEPDC5):c.3564-8G>A

Gene: DEPDC5 (DEP domain containing 5, GATOR1 subcomplex subunit; plus strand). Cytogenetic location: 22q12.3.
Variant type: single nucleotide variant.
Coding change: c.3564-8G>A on transcript NM_001242896.3 (MANE Select); 8 bases into the intron before coding-DNA position 3564, G replaced by A.
Molecular consequence: intron variant.
Genome position (GRCh38, 1-based): chr22:31,874,265, G>A. VCF-style: chr22-31874265-G-A. GRCh37 (hg19) VCF-style: chr22-32270251-G-A.
Other names: c.3564-8G>A (NM_001364318.2); c.3537-8G>A (NM_001136029.4); c.3471-8G>A (NM_014662.6, NM_001369903.1); c.3498-8G>A (NM_001363852.2, NM_001364320.2); c.3330-8G>A (NM_001363854.2, NM_001364319.2); c.3264-8G>A (NM_001242897.2); c.3480-8G>A (NM_001369902.1, NM_001369901.1).
Identifiers: ClinVar variation 2042679 (VCV002042679.5), dbSNP rs1250227863, ClinGen allele CA639060774.
Genomic context (GRCh38, chr22:31,874,265, plus strand): 5'-CTTTCCTTCCACTTGTTGCCATGGGGCACACACATCCCCTGCTCCCCGTTCACCGTGTTG[G>A]AACCCAGGACAGGAGTCCAGCTGCTCTCTGAACAGAAGGGCCTCTCACCGTACTGCTTCA-3'